The following is an entry in ClinVar:

ClinVar aggregate classification (germline): Uncertain significance (1 of 4 stars; one submission).

Submission:

GeneDx
Classification: Uncertain significance. Last evaluated: 2025-03-06. Review status: criteria provided, single submitter. Criteria: GeneDx Variant Classification Process June 2021. Collection method: clinical testing. Allele origin: germline. Affected: yes.
Comment: Not observed at significant frequency in large population cohorts (gnomAD); In silico analysis supports that this missense variant has a deleterious effect on protein structure/function; Has not been previously published as pathogenic or benign to our knowledge; This variant is associated with the following publications: (PMID: 8616895)

NM_004380.3(CREBBP):c.6313A>C (p.Thr2105Pro)

Gene: CREBBP (CREB binding protein; minus strand). Cytogenetic location: 16p13.3.
Variant type: single nucleotide variant.
Coding change: c.6313A>C on transcript NM_004380.3 (MANE Select); coding-DNA position 6313, A replaced by C.
Protein change: p.Thr2105Pro; replaces threonine 2105 with proline.
Molecular consequence: missense variant.
Genome position (GRCh38, 1-based): chr16:3,728,734, T>G on the plus strand (A>C on the coding strand, the complement: CREBBP is on the minus strand). VCF-style: chr16-3728734-T-G. GRCh37 (hg19) VCF-style: chr16-3778735-T-G.
Other names: c.6199A>C, p.Thr2067Pro (NM_001079846.1); short protein forms T2067P, T2105P.
Identifiers: ClinVar variation 2581790 (VCV002581790.2), dbSNP rs778859685, ClinGen allele CA394553661.